The following is an entry in ClinVar:

NM_182914.3(SYNE2):c.9509C>A (p.Ser3170Tyr)

Gene: SYNE2 (spectrin repeat containing nuclear envelope protein 2; plus strand). Cytogenetic location: 14q23.2.
Variant type: single nucleotide variant.
Coding change: c.9509C>A on transcript NM_182914.3 (MANE Select); coding-DNA position 9509, C replaced by A.
Protein change: p.Ser3170Tyr; replaces serine 3170 with tyrosine.
Molecular consequence: missense variant.
Genome position (GRCh38, 1-based): chr14:64,053,422, C>A. VCF-style: chr14-64053422-C-A. GRCh37 (hg19) VCF-style: chr14-64520140-C-A.
Other names: c.9509C>A (NM_182914.2); c.9509C>A, p.Ser3170Tyr (NM_015180.6); short protein forms S3170Y.
Identifiers: ClinVar variation 2062382 (VCV002062382.5), dbSNP rs2097242371, ClinGen allele CA389980175.

ClinVar aggregate classification (germline): Uncertain significance. Review status: criteria provided, multiple submitters, no conflicts (2 of 4 stars). 2 submissions from 2 submitters: Uncertain significance (2). Last evaluated 2024-08-14.

Conditions:
Emery-Dreifuss muscular dystrophy 5, autosomal dominant (EDMD5). Also called: EMERY-DREIFUSS MUSCULAR DYSTROPHY 5. Identifiers: Orphanet 261, MedGen C2751805, MONDO:0013072, OMIM 612999.

Allele frequency attached by ClinVar (database versions not stated): gnomAD 0.00001; gnomAD exomes 0.00001.
gnomAD v4.1: 11 of 1,612,872 alleles (0.00068%); highest among the groups gnomAD compares: Non-Finnish European, 0.00093%; no homozygotes.

Submissions (2):

Ambry Genetics
Classification: Uncertain significance. Last evaluated: 2024-08-14. Review status: criteria provided, single submitter. Criteria: Ambry Variant Classification Scheme 2023. Collection method: clinical testing. Allele origin: germline.

Labcorp Genetics (formerly Invitae), Labcorp
Classification: Uncertain significance for Emery-Dreifuss muscular dystrophy 5, autosomal dominant. Last evaluated: 2022-06-20. Review status: criteria provided, single submitter. Criteria: Invitae Variant Classification Sherloc (09022015). Collection method: clinical testing. Allele origin: germline.
Comment: In summary, the available evidence is currently insufficient to determine the role of this variant in disease. Therefore, it has been classified as a Variant of Uncertain Significance. Algorithms developed to predict the effect of missense changes on protein structure and function are either unavailable or do not agree on the potential impact of this missense change (SIFT: "Tolerated"; PolyPhen-2: "Probably Damaging"; Align-GVGD: "Class C0"). This variant has not been reported in the literature in individuals affected with SYNE2-related conditions. This variant is not present in population databases (gnomAD no frequency). This sequence change replaces serine, which is neutral and polar, with tyrosine, which is neutral and polar, at codon 3170 of the SYNE2 protein (p.Ser3170Tyr).